The following is an entry in ClinVar:

NM_001282531.3(ADNP):c.559G>A (p.Glu187Lys)

Gene: ADNP (activity dependent neuroprotector homeobox; minus strand). Cytogenetic location: 20q13.13.
Variant type: single nucleotide variant.
Coding change: c.559G>A on transcript NM_001282531.3 (MANE Select); coding-DNA position 559, G replaced by A.
Protein change: p.Glu187Lys; replaces glutamic acid 187 with lysine.
Molecular consequence: missense variant. On other transcripts: 5 prime UTR variant (1).
Genome position (GRCh38, 1-based): chr20:50,894,155, C>T on the plus strand (G>A on the coding strand, the complement: ADNP is on the minus strand). VCF-style: chr20-50894155-C-T. GRCh37 (hg19) VCF-style: chr20-49510692-C-T.
Other names: c.559G>A, p.Glu187Lys (NM_001282532.2, NM_001347511.2, NM_015339.5 and 1 more transcripts); c.775G>A, p.Glu259Lys (NM_001439000.1); c.-126G>A (NM_001439001.1); short protein forms E259K, E187K.
Identifiers: ClinVar variation 5009251 (VCV005009251.1).
Genomic context (GRCh38, chr20:50,894,155, plus strand): 5'-CATTGAGTGATTTTTCTCCTGCCTTTGCTATGTAAGGTGCTGCCACATGCTGAAAATGTT[C>T]CCTGTAAATGTGCTTCCTAACTATTTCATAAAGAGGATCTCGGTAAGTGCACTTCTTACA-3'
Protein context (NP_001269460.1, residues 177-197): YEIVRKHIYR[Glu187Lys]HFQHVAAPYI

ClinVar aggregate classification (germline): Uncertain significance (1 of 4 stars; one submission).

gnomAD v4.1: 1 of 1,614,112 alleles (0.000062%); highest among the groups gnomAD compares: Non-Finnish European, 0.000085%; no homozygotes.

Submission:

GeneDx
Classification: Uncertain significance. Last evaluated: 2026-03-15. Review status: criteria provided, single submitter. Criteria: GeneDx Variant Classification Process June 2021. Collection method: clinical testing. Allele origin: germline.
Comment: Not observed at significant frequency in large population cohorts (gnomAD); In silico analysis suggests that this missense variant does not alter protein structure/function; Has not been previously published as pathogenic or benign to our knowledge